The following is an entry in ClinVar:

ClinVar aggregate classification (germline): Uncertain significance. Review status: criteria provided, multiple submitters, no conflicts (2 of 4 stars). 2 submissions from 2 submitters: Uncertain significance (2). Last evaluated 2024-12-27.

Conditions:
Hereditary cancer-predisposing syndrome. Also called: Hereditary Cancer Syndrome; Hereditary neoplastic syndrome; Neoplastic Syndromes, Hereditary; Tumor predisposition. Identifiers: Orphanet 140162, MedGen C0027672, MeSH D009386, MONDO:0015356.

Submissions (2):

Ambry Genetics
Classification: Uncertain significance for Hereditary cancer-predisposing syndrome. Last evaluated: 2024-12-27. Review status: criteria provided, single submitter. Criteria: Ambry Variant Classification Scheme 2023. Collection method: clinical testing. Allele origin: germline.
Comment: The p.K405E variant (also known as c.1213A>G), located in coding exon 6 of the SMARCA4 gene, results from an A to G substitution at nucleotide position 1213. The lysine at codon 405 is replaced by glutamic acid, an amino acid with similar properties. This amino acid position is conserved. In addition, the in silico prediction for this alteration is inconclusive. Based on the available evidence, the clinical significance of this variant remains unclear.

Dasa
Classification: Uncertain significance. Last evaluated: 2024-11-05. Review status: criteria provided, single submitter. Criteria: DASA Assertion Criteria. Collection method: clinical testing. Allele origin: germline.
Comment: NM_003072.5(SMARCA4):c.1213A>G (p.Lys405Glu) is a missense variant that results in the substitution of lysine with glutamic acid. This variant is absent from population databases. The currently available literature and clinical evidence are not sufficient to establish a definitive association between this variant and the reported condition. Therefore, this variant is classified as a variant of uncertain significance.

NM_003072.5(SMARCA4):c.1213A>G (p.Lys405Glu)

Gene: SMARCA4 (SWI/SNF related BAF chromatin remodeling complex subunit ATPase 4; plus strand). Cytogenetic location: 19p13.2.
Variant type: single nucleotide variant.
Coding change: c.1213A>G on transcript NM_003072.5 (MANE Select); coding-DNA position 1213, A replaced by G.
Protein change: p.Lys405Glu; replaces lysine 405 with glutamic acid.
Molecular consequence: missense variant. On other transcripts: non-coding transcript variant (1).
Genome position (GRCh38, 1-based): chr19:10,989,411, A>G. VCF-style: chr19-10989411-A-G. GRCh37 (hg19) VCF-style: chr19-11100087-A-G.
Other names: c.1213A>G, p.Lys405Glu (NM_001128844.3, NM_001128845.2, NM_001128846.2 and 6 more transcripts); short protein forms K405E.
Identifiers: ClinVar variation 3798889 (VCV003798889.3).